The following is an entry in ClinVar:

NM_004539.4(NARS1):c.51G>T (p.Thr17=)

Gene: NARS1 (asparaginyl-tRNA synthetase 1; minus strand). Cytogenetic location: 18q21.31.
Variant type: single nucleotide variant.
Coding change: c.51G>T on transcript NM_004539.4 (MANE Select); coding-DNA position 51, G replaced by T.
Protein change: p.Thr17=; no amino-acid change (threonine 17 retained).
Molecular consequence: synonymous variant.
Genome position (GRCh38, 1-based): chr18:57,620,611, C>A on the plus strand (G>T on the coding strand, the complement: NARS1 is on the minus strand). VCF-style: chr18-57620611-C-A. GRCh37 (hg19) VCF-style: chr18-55287843-C-A.
Identifiers: ClinVar variation 2648757 (VCV002648757.24), dbSNP rs542769877, ClinGen allele CA504018889.

ClinVar aggregate classification (germline): Likely benign (1 of 4 stars; one submission).

gnomAD v4.1: 4 of 1,613,780 alleles (0.00025%); highest among the groups gnomAD compares: Admixed American, 0.0017%; no homozygotes.

Submission:

CeGaT Center for Human Genetics Tuebingen
Classification: Likely benign. Last evaluated: 2023-08-01. Review status: criteria provided, single submitter. Criteria: CeGaT Center For Human Genetics Tuebingen Variant Classification Criteria Version 2. Collection method: clinical testing. Allele origin: germline. Affected: yes. Observed: 1 variant allele.
Comment: NARS1: BP4, BP7